The following is an entry in ClinVar:

NM_001130009.3(GEN1):c.2263C>G (p.Pro755Ala)

Gene: GEN1 (GEN1 structure-specific endonuclease; plus strand). Cytogenetic location: 2p24.2.
Variant type: single nucleotide variant.
Coding change: c.2263C>G on transcript NM_001130009.3 (MANE Select); coding-DNA position 2263, C replaced by G.
Protein change: p.Pro755Ala; replaces proline 755 with alanine.
Molecular consequence: missense variant.
Genome position (GRCh38, 1-based): chr2:17,781,475, C>G. VCF-style: chr2-17781475-C-G. GRCh37 (hg19) VCF-style: chr2-17962742-C-G.
Other names: c.2263C>G, p.Pro755Ala (NM_182625.5); short protein forms P755A.
Identifiers: ClinVar variation 4263032 (VCV004263032.2).
Genomic context (GRCh38, chr2:17,781,475, plus strand): 5'-TCTAAAATTCTAAAAGGAGACCAGCTGCTTCAAGAAGACTATAAAGTCAATACTTCTGTC[C>G]CTTATTCTGTCAGTAACACAGTGGTAAAGACCTGCAATGTTAGACCACCAAATACTGCTT-3'
Protein context (NP_001123481.3, residues 745-765): QEDYKVNTSV[Pro755Ala]YSVSNTVVKT

ClinVar aggregate classification (germline): Uncertain significance. Review status: criteria provided, multiple submitters, no conflicts (2 of 4 stars). 2 submissions from 2 submitters: Uncertain significance (2). Last evaluated 2025-08-15.

gnomAD v4.1: 2 of 1,613,420 alleles (0.00012%); highest among the groups gnomAD compares: South Asian, 0.0011%; no homozygotes.

Submissions (2):

Labcorp Genetics (formerly Invitae), Labcorp
Classification: Uncertain significance. Last evaluated: 2025-08-15. Review status: criteria provided, single submitter. Criteria: Invitae Variant Classification Sherloc (09022015). Collection method: clinical testing. Allele origin: germline.
Comment: This sequence change replaces proline, which is neutral and non-polar, with alanine, which is neutral and non-polar, at codon 755 of the GEN1 protein (p.Pro755Ala). This variant is not present in population databases (gnomAD no frequency). This variant has not been reported in the literature in individuals affected with GEN1-related conditions. An algorithm developed to predict the effect of missense changes on protein structure and function (PolyPhen-2) suggests that this variant is likely to be tolerated. In summary, the available evidence is currently insufficient to determine the role of this variant in disease. Therefore, it has been classified as a Variant of Uncertain Significance.

Ambry Genetics
Classification: Uncertain significance. Last evaluated: 2025-07-15. Review status: criteria provided, single submitter. Criteria: Ambry Variant Classification Scheme 2023. Collection method: clinical testing. Allele origin: germline.
Comment: The p.P755A variant (also known as c.2263C>G), located in coding exon 13 of the GEN1 gene, results from a C to G substitution at nucleotide position 2263. The proline at codon 755 is replaced by alanine, an amino acid with highly similar properties. This amino acid position is conserved. In addition, this alteration is predicted to be tolerated by in silico analysis. Based on the available evidence, the clinical significance of this variant remains unclear.